The following is an entry in ClinVar:

ClinVar aggregate classification (germline): Conflicting classifications of pathogenicity. Review status: criteria provided, conflicting classifications (1 of 4 stars). 2 submissions from 2 submitters: Uncertain significance (1); Likely benign (1). Last evaluated 2026-07-01.

Allele frequency attached by ClinVar (database versions not stated): ExAC 0.00057; ESP Exome Variant Server 0.00062; gnomAD 0.00063; TOPMed 0.00074.
gnomAD v4.1: 1,482 of 1,546,680 alleles (0.096%); highest among the groups gnomAD compares: Non-Finnish European, 0.12%; 5 homozygotes.

Submissions (2):

CeGaT Center for Human Genetics Tuebingen
Classification: Likely benign. Last evaluated: 2026-07-01. Review status: criteria provided, single submitter. Criteria: CeGaT Center For Human Genetics Tuebingen Variant Classification Criteria Version 2. Collection method: clinical testing. Allele origin: germline. Affected: yes. Observed: 2 variant alleles.
Comment: PIDD1: BP4

Women's Health and Genetics/Laboratory Corporation of America, LabCorp
Classification: Uncertain significance. Last evaluated: 2023-08-11. Review status: criteria provided, single submitter. Criteria: LabCorp Variant Classification Summary - May 2015. Collection method: clinical testing. Allele origin: germline.
Comment: Variant summary: LRDD c.1444C>G (p.Pro482Ala) results in a non-conservative amino acid change located in the ZU5 domain of the encoded protein sequence. Three of five in-silico tools predict a benign effect of the variant on protein function. The variant allele was found at a frequency of 0.00042 in 198628 control chromosomes. To our knowledge, no occurrence of c.1444C>G in individuals affected with Intellectual Developmental Disorder, Autosomal Recessive 75, With Neuropsychiatric Features And Variant Lissencephaly and no experimental evidence demonstrating its impact on protein function have been reported. No submitters have cited clinical-significance assessments for this variant to ClinVar after 2014. Based on the evidence outlined above, the variant was classified as uncertain significance.

NM_145886.4(PIDD1):c.1444C>G (p.Pro482Ala)

Gene: PIDD1 (p53-induced death domain protein 1; minus strand). Cytogenetic location: 11p15.5.
Variant type: single nucleotide variant.
Coding change: c.1444C>G on transcript NM_145886.4 (MANE Select); coding-DNA position 1444, C replaced by G.
Protein change: p.Pro482Ala; replaces proline 482 with alanine.
Molecular consequence: missense variant.
Genome position (GRCh38, 1-based): chr11:801,483, G>C on the plus strand (C>G on the coding strand, the complement: PIDD1 is on the minus strand). VCF-style: chr11-801483-G-C. GRCh37 (hg19) VCF-style: chr11-801483-G-C.
Other names: c.1444C>G, p.Pro482Ala (NM_145887.4); short protein forms P482A.
Identifiers: ClinVar variation 2581674 (VCV002581674.9), dbSNP rs201920329, ClinGen allele CA5790012.